The following is an entry in ClinVar:

ClinVar aggregate classification (germline): Likely pathogenic (1 of 4 stars; one submission).

Conditions:
Familial thoracic aortic aneurysm and aortic dissection (TAAD). Also called: Thoracic aortic aneurysms and dissections. Identifiers: Orphanet 91387, MedGen C4707243, MONDO:0019625.
Marfan syndrome (MFS). Also called: Marfan syndrome, classic; Marfan syndrome type 1; Marfan's syndrome; FBN1-Related Marfan Syndrome; MARFAN SYNDROME, TYPE I. Identifiers: Orphanet 284963, Orphanet 558, MedGen C0024796, MONDO:0007947, OMIM 154700.

Submission:

Labcorp Genetics (formerly Invitae), Labcorp
Classification: Likely pathogenic for Marfan syndrome; Familial thoracic aortic aneurysm and aortic dissection. Last evaluated: 2019-07-31. Review status: criteria provided, single submitter. Criteria: Invitae Variant Classification Sherloc (09022015). Collection method: clinical testing. Allele origin: germline.
Comment: This variant affects a cysteine residue in the EGF-like, TGFBP or hybrid motif domains of FBN1. Cysteine residues are believed to be involved in intramolecular disulfide bridges and have been shown to be important for FBN1 protein structure (PMID: 16905551, 19349279). In addition, missense substitutions affecting cysteine residues within these domains are significantly overrepresented among patients with Marfan syndrome (PMID: 16571647, 17701892). In summary, the currently available evidence indicates that the variant is pathogenic, but additional data are needed to prove that conclusively. Therefore, this variant has been classified as Likely Pathogenic. Algorithms developed to predict the effect of missense changes on protein structure and function are either unavailable or do not agree on the potential impact of this missense change (SIFT: "Deleterious"; PolyPhen-2: "Benign"; Align-GVGD: "Class C65"). This variant is not present in population databases (ExAC no frequency). This sequence change replaces cysteine with arginine at codon 1212 of the FBN1 protein (p.Cys1212Arg). The cysteine residue is highly conserved and there is a large physicochemical difference between cysteine and arginine.

Literature cited by the submitters: PubMed 16905551; PubMed 19349279; PubMed 16571647; PubMed 17701892.

NM_000138.5(FBN1):c.3634T>C (p.Cys1212Arg)

Gene: FBN1 (fibrillin 1; minus strand). Cytogenetic location: 15q21.1.
Variant type: single nucleotide variant.
Coding change: c.3634T>C on transcript NM_000138.5 (MANE Select); coding-DNA position 3634, T replaced by C.
Protein change: p.Cys1212Arg; replaces cysteine 1212 with arginine.
Molecular consequence: missense variant.
Genome position (GRCh38, 1-based): chr15:48,485,452, A>G on the plus strand (T>C on the coding strand, the complement: FBN1 is on the minus strand). VCF-style: chr15-48485452-A-G. GRCh37 (hg19) VCF-style: chr15-48777649-A-G.
Other names: short protein forms C1212R.
Identifiers: ClinVar variation 944924 (VCV000944924.9), dbSNP rs2043497933, ClinGen allele CA392324550.
Genomic context (GRCh38, chr15:48,485,452, plus strand): 5'-CAGGCATTAGTGCAAATCCCGGCTGACAGCTACATTCATAGCTGCCTTCAGAGTTTGTGC[A>G]GAAGGTTTCACAACCACCATTCATTATGCTGCATTCATCAATGTCTAAAAGAAATGAAAA-3'
Protein context (NP_000129.3, residues 1202-1222): SIMNGGCETF[Cys1212Arg]TNSEGSYECS